The following is an entry in ClinVar:

Conditions:
Breast-ovarian cancer, familial, susceptibility to, 1 (BROVCA1). Also called: BRCA1 Hereditary Breast and Ovarian Cancer; OVARIAN CANCER, SUSCEPTIBILITY TO. Identifiers: Orphanet 145, MedGen C2676676, MONDO:0011450, OMIM 604370. Disease mechanism: loss of function.

Submission:

Brotman Baty Institute, University of Washington
No classification provided (evidence only). Condition: Breast-ovarian cancer, familial 1. Review status: no classification provided. Collection method: in vitro. Allele origin: not applicable. Functional consequence: functionally_normal.
ClinVar note: "not provided" was previously submitted as the classification for the variant. However, the classification appeared to be based only on an observation of functional data so it was converted to no classification on 2025-07-30.

NM_007294.4(BRCA1):c.5344T>G (p.Trp1782Gly)

Gene: BRCA1 (BRCA1 DNA repair associated; minus strand). Cytogenetic location: 17q21.31.
Variant type: single nucleotide variant.
Coding change: c.5344T>G on transcript NM_007294.4 (MANE Select); coding-DNA position 5344, T replaced by G.
Protein change: p.Trp1782Gly; replaces tryptophan 1782 with glycine.
Molecular consequence: missense variant. On other transcripts: non-coding transcript variant (1), intron variant (1).
Genome position (GRCh38, 1-based): chr17:43,049,183, A>C on the plus strand (T>G on the coding strand, the complement: BRCA1 is on the minus strand). VCF-style: chr17-43049183-A-C. GRCh37 (hg19) VCF-style: chr17-41201200-A-C.
Other names: c.5203T>G, p.Trp1735Gly (NM_007297.4, NM_001407692.1, NM_001407694.1 and 12 more transcripts); c.2032T>G, p.Trp678Gly (NM_007298.4, NM_007304.2, NM_001407979.1 and 11 more transcripts); c.5407T>G, p.Trp1803Gly (NM_007300.4, NM_001407583.1, NM_001407585.1 and 1 more transcripts); c.2021-1480T>G (NM_007299.4); c.5131T>G, p.Trp1711Gly (NM_001407571.1, NM_001407904.1, NM_001407906.1 and 12 more transcripts); c.5410T>G, p.Trp1804Gly (NM_001407581.1, NM_001407582.1); c.5404T>G, p.Trp1802Gly (NM_001407590.1, NM_001407591.1); c.5344T>G, p.Trp1782Gly (NM_001407593.1, NM_001407594.1, NM_001407596.1 and 5 more transcripts); and 73 more; short protein forms W678G, W1803G, W1735G, W1782G, W1628G, W1655G, W1669G, W1713G.
Identifiers: ClinVar variation 868359 (VCV000868359.3), dbSNP rs2051093708, ClinGen allele CA10590774.